The following is an entry in ClinVar:

ClinVar aggregate classification (germline): Uncertain significance (1 of 4 stars; one submission).

Conditions:
Amyotrophic lateral sclerosis type 8 (ALS8). Identifiers: Orphanet 803, MedGen C1837728, MONDO:0012077, OMIM 608627.
Adult-onset proximal spinal muscular atrophy, autosomal dominant. Also called: FINKEL LATE-ADULT TYPE SMA; Spinal muscular atrophy, late-onset, finkel type. Identifiers: Orphanet 209335, MedGen C1854058, MONDO:0008453, OMIM 182980.

Allele frequency attached by ClinVar (database versions not stated): gnomAD exomes below 0.00001; ExAC 0.00001; TOPMed 0.00002; gnomAD 0.00003; ESP Exome Variant Server 0.00008.
gnomAD v4.1: 5 of 1,613,932 alleles (0.00031%); highest among the groups gnomAD compares: African/African-American, 0.0067%; no homozygotes.

Submission:

Labcorp Genetics (formerly Invitae), Labcorp
Classification: Uncertain significance for Adult-onset proximal spinal muscular atrophy, autosomal dominant; Amyotrophic lateral sclerosis type 8. Last evaluated: 2022-09-03. Review status: criteria provided, single submitter. Criteria: Invitae Variant Classification Sherloc (09022015). Collection method: clinical testing. Allele origin: germline.
Comment: In summary, the available evidence is currently insufficient to determine the role of this variant in disease. Therefore, it has been classified as a Variant of Uncertain Significance. Algorithms developed to predict the effect of missense changes on protein structure and function output the following: SIFT: "Not Available"; PolyPhen-2: "Benign"; Align-GVGD: "Not Available". The threonine amino acid residue is found in multiple mammalian species, which suggests that this missense change does not adversely affect protein function. This variant has not been reported in the literature in individuals affected with VAPB-related conditions. This variant is not present in population databases (gnomAD no frequency). This sequence change replaces isoleucine, which is neutral and non-polar, with threonine, which is neutral and polar, at codon 152 of the VAPB protein (p.Ile152Thr).

NM_004738.5(VAPB):c.455T>C (p.Ile152Thr)

Gene: VAPB (VAMP associated protein B and C; plus strand). Cytogenetic location: 20q13.32.
Variant type: single nucleotide variant.
Coding change: c.455T>C on transcript NM_004738.5 (MANE Select); coding-DNA position 455, T replaced by C.
Protein change: p.Ile152Thr; replaces isoleucine 152 with threonine.
Molecular consequence: missense variant. On other transcripts: non-coding transcript variant (1), intron variant (1).
Genome position (GRCh38, 1-based): chr20:58,440,965, T>C. VCF-style: chr20-58440965-T-C. GRCh37 (hg19) VCF-style: chr20-57016021-T-C.
Other names: c.212-3112T>C (NM_001195677.2); short protein forms I152T.
Identifiers: ClinVar variation 2187546 (VCV002187546.4), dbSNP rs372101774, ClinGen allele CA9924263.